The following is an entry in ClinVar:

NM_007194.4(CHEK2):c.320-3C>T

Gene: CHEK2 (checkpoint kinase 2; minus strand). Cytogenetic location: 22q12.1.
Variant type: single nucleotide variant.
Coding change: c.320-3C>T on transcript NM_007194.4 (MANE Select); 3 bases into the intron before coding-DNA position 320, C replaced by T.
Molecular consequence: intron variant.
Genome position (GRCh38, 1-based): chr22:28,725,370, G>A on the plus strand (C>T on the coding strand, the complement: CHEK2 is on the minus strand). VCF-style: chr22-28725370-G-A. GRCh37 (hg19) VCF-style: chr22-29121358-G-A.
Other names: c.-344-3C>T (NM_001437942.1); c.320-3C>T (NM_001349956.3, NM_145862.3, NM_007194.3); c.-458-3C>T (NM_001257387.3); c.413-3C>T (NM_001438295.1, NM_001438293.1); c.449-3C>T (NM_001438294.1, NM_001005735.3).
Identifiers: ClinVar variation 2775076 (VCV002775076.5), dbSNP rs863224749, ClinGen allele CA2697552660.

ClinVar aggregate classification (germline): Conflicting classifications of pathogenicity. Review status: criteria provided, conflicting classifications (1 of 4 stars). 3 submissions from 3 submitters: Uncertain significance (2); Likely benign (1). Last evaluated 2025-05-30.

Conditions:
Hereditary cancer-predisposing syndrome. Also called: Neoplastic Syndromes, Hereditary; Tumor predisposition; Hereditary Cancer Syndrome; Hereditary neoplastic syndrome. Identifiers: Orphanet 140162, MedGen C0027672, MeSH D009386, MONDO:0015356.
Familial cancer of breast. Also called: Hereditary breast cancer; BREAST CANCER, FAMILIAL; hereditary breast carcinoma. Identifiers: Orphanet 227535, MedGen C0346153, MONDO:0016419, OMIM 114480. Disease mechanism: loss of function.

Submissions (3):

Ambry Genetics
Classification: Uncertain significance for Hereditary cancer-predisposing syndrome. Last evaluated: 2025-05-30. Review status: criteria provided, single submitter. Criteria: Ambry Variant Classification Scheme 2023. Collection method: clinical testing. Allele origin: germline.
Comment: The c.320-3C>T intronic variant results from a C to T substitution 3 nucleotides upstream from coding exon 2 in the CHEK2 gene. This nucleotide position is well conserved in available vertebrate species. In silico splice site analysis predicts that this alteration will not have any significant effect on splicing. Based on the available evidence, the clinical significance of this variant remains unclear.

Labcorp Genetics (formerly Invitae), Labcorp
Classification: Uncertain significance for Familial cancer of breast. Last evaluated: 2023-03-21. Review status: criteria provided, single submitter. Criteria: Invitae Variant Classification Sherloc (09022015). Collection method: clinical testing. Allele origin: germline.
Comment: In summary, the available evidence is currently insufficient to determine the role of this variant in disease. Therefore, it has been classified as a Variant of Uncertain Significance. Variants that disrupt the consensus splice site are a relatively common cause of aberrant splicing (PMID: 17576681, 9536098). Algorithms developed to predict the effect of sequence changes on RNA splicing suggest that this variant is not likely to affect RNA splicing. This variant has not been reported in the literature in individuals affected with CHEK2-related conditions. This variant is not present in population databases (gnomAD no frequency). This sequence change falls in intron 2 of the CHEK2 gene. It does not directly change the encoded amino acid sequence of the CHEK2 protein. It affects a nucleotide within the consensus splice site.

Color Diagnostics, LLC DBA Color Health
Classification: Likely benign for Hereditary cancer-predisposing syndrome. Last evaluated: 2021-09-07. Review status: criteria provided, single submitter. Criteria: ACMG Guidelines, 2015. Collection method: clinical testing. Allele origin: germline.

Literature cited by the submitters: PubMed 17576681 (cited by Labcorp Genetics (formerly Invitae), Labcorp); PubMed 9536098 (cited by Labcorp Genetics (formerly Invitae), Labcorp).